The following is an entry in ClinVar:

ClinVar aggregate classification (germline): Likely benign (1 of 4 stars; one submission).

Submission:

CeGaT Center for Human Genetics Tuebingen
Classification: Likely benign. Last evaluated: 2024-10-01. Review status: criteria provided, single submitter. Criteria: CeGaT Center For Human Genetics Tuebingen Variant Classification Criteria Version 2. Collection method: clinical testing. Allele origin: germline. Affected: yes. Observed: 1 variant allele.
Comment: CXXC4: BP4, BP7

NM_025212.4(CXXC4):c.375A>G (p.Gly125=)

Genes: CXXC4 (CXXC finger protein 4; minus strand), CXXC4-AS1 (CXXC4 antisense RNA 1; plus strand). Cytogenetic location: 4q24.
Variant type: single nucleotide variant.
Coding change: c.375A>G on transcript NM_025212.4 (MANE Select); coding-DNA position 375, A replaced by G.
Protein change: p.Gly125=; no amino-acid change (glycine 125 retained).
Molecular consequence: synonymous variant.
Genome position (GRCh38, 1-based): chr4:104,491,428, T>C on the plus strand (A>G on the coding strand, the complement: CXXC4 is on the minus strand). VCF-style: chr4-104491428-T-C. GRCh37 (hg19) VCF-style: chr4-105412585-T-C.
Identifiers: ClinVar variation 3388909 (VCV003388909.14).